The following is an entry in ClinVar:

NM_000064.4(C3):c.3155G>A (p.Gly1052Glu)

Gene: C3 (complement C3; minus strand). Cytogenetic location: 19p13.3.
Variant type: single nucleotide variant.
Coding change: c.3155G>A on transcript NM_000064.4 (MANE Select); coding-DNA position 3155, G replaced by A.
Protein change: p.Gly1052Glu; replaces glycine 1052 with glutamic acid.
Molecular consequence: missense variant.
Genome position (GRCh38, 1-based): chr19:6,693,487, C>T on the plus strand (G>A on the coding strand, the complement: C3 is on the minus strand). VCF-style: chr19-6693487-C-T. GRCh37 (hg19) VCF-style: chr19-6693498-C-T.
Other names: short protein forms G1052E.
Identifiers: ClinVar variation 1719455 (VCV001719455.5), dbSNP rs2512242989, ClinGen allele CA403627482.

ClinVar aggregate classification (germline): Uncertain significance (1 of 4 stars; one submission).

Submission:

Labcorp Genetics (formerly Invitae), Labcorp
Classification: Uncertain significance. Last evaluated: 2025-06-22. Review status: criteria provided, single submitter. Criteria: Invitae Variant Classification Sherloc (09022015). Collection method: clinical testing. Allele origin: germline.
Comment: This sequence change replaces glycine, which is neutral and non-polar, with glutamic acid, which is acidic and polar, at codon 1052 of the C3 protein (p.Gly1052Glu). This variant is not present in population databases (gnomAD no frequency). This variant has not been reported in the literature in individuals affected with C3-related conditions. ClinVar contains an entry for this variant (Variation ID: 1719455). An algorithm developed to predict the effect of missense changes on protein structure and function (PolyPhen-2) suggests that this variant is likely to be disruptive. In summary, the available evidence is currently insufficient to determine the role of this variant in disease. Therefore, it has been classified as a Variant of Uncertain Significance.